The following is an entry in ClinVar:

NM_001953.5(TYMP):c.596_597del (p.Tyr199fs)

Gene: TYMP (thymidine phosphorylase; minus strand). Cytogenetic location: 22q13.33.
Variant type: Microsatellite.
Coding change: c.596_597del on transcript NM_001953.5 (MANE Select); coding-DNA positions 596 to 597, 2 bases deleted (AT; older notation c.596_597delAT).
Protein change: p.Tyr199fs; shifts the reading frame from tyrosine 199.
Molecular consequence: frameshift variant.
Genome position (GRCh38, 1-based): chr22:50,527,637-50,527,638, AT deleted on the plus strand (AT on the coding strand, the reverse complement: TYMP is on the minus strand); deleting any 2 consecutive bases within chr22:50,527,637-50,527,641 gives the same sequence; the c. name uses the placement nearest the transcript's 3' end. VCF-style (leftmost placement, unchanged base first): chr22-50527636-CAT-C. GRCh37 (hg19) VCF-style: chr22-50966065-CAT-C.
Other names: c.596_597del, p.Tyr199fs (NM_001113755.3, NM_001113756.3, NM_001257988.1 and 1 more transcripts); short protein forms Y199fs.
Identifiers: ClinVar variation 5015093 (VCV005015093.1).
Genomic context (GRCh38, chr22:50,527,636, plus strand): 5'-GAGTCAGGTCACCTGTGATGAGTGGCAGGCTGTCCACGGTGGCTGTCACATCTCTGGCTG[CAT>C]ATAGGATTCCGTCCGCAGGAACCAGCTGCTCACTCTGACCCACGATACAGCAGCCCGCCT-3'

ClinVar aggregate classification (germline): Pathogenic (1 of 4 stars; one submission).

Conditions:
Mitochondrial DNA depletion syndrome 1. Also called: POLIP SYNDROME; POLYNEUROPATHY, OPHTHALMOPLEGIA, LEUKOENCEPHALOPATHY, AND INTESTINAL PSEUDOOBSTRUCTION; Mitochondrial Neurogastrointestinal Encephalopathy Disease; MITOCHONDRIAL NEUROGASTROINTESTINAL ENCEPHALOPATHY SYNDROME, TYMP-RELATED; MNGIE, TYMP-RELATED; Mitochondrial neurogastrointestinal encephalomyopathy syndrome. Identifiers: Orphanet 298, MedGen C4551995, MONDO:0011283, OMIM 603041.

Submission:

Myriad Genetics, Inc.
Classification: Pathogenic for Mitochondrial DNA depletion syndrome 1. Last evaluated: 2026-03-19. Review status: criteria provided, single submitter. Criteria: Myriad Autosomal Dominant, Autosomal Recessive and X-Linked Classification Criteria (2023). Collection method: clinical testing. Allele origin: unknown.
Comment: NM_001953.4(TYMP):c.596_597delAT(Y199Cfs*22) is expected to be pathogenic in the context of mitochondrial neurogastrointestinal encephalopathy disease. This variant is predicted to lead to an abnormal or absent protein product due to the creation of a premature termination codon in TYMP, a gene where loss-of-function variants are known to be pathogenic. Please note: this variant was assessed in the context of healthy population screening.